The following is an entry in ClinVar:

NM_001037333.3(CYFIP2):c.2909-6T>C

Gene: CYFIP2 (cytoplasmic FMR1 interacting protein 2; plus strand). Cytogenetic location: 5q33.3.
Variant type: single nucleotide variant.
Coding change: c.2909-6T>C on transcript NM_001037333.3 (MANE Select); 6 bases into the intron before coding-DNA position 2909, T replaced by C.
Molecular consequence: intron variant.
Genome position (GRCh38, 1-based): chr5:157,361,462, T>C. VCF-style: chr5-157361462-T-C. GRCh37 (hg19) VCF-style: chr5-156788470-T-C.
Other names: c.2984-6T>C (NM_001291722.2); c.2831-6T>C (NM_001291721.2); c.2909-6T>C (NM_014376.4).
Identifiers: ClinVar variation 2745469 (VCV002745469.3), dbSNP rs2532579718, ClinGen allele CA2676209995.

ClinVar aggregate classification (germline): Uncertain significance (1 of 4 stars; one submission).

Allele frequency attached by ClinVar (database versions not stated): gnomAD exomes below 0.00001.
gnomAD v4.1: 1 of 1,613,812 alleles (0.000062%); highest among the groups gnomAD compares: Non-Finnish European, 0.000085%; no homozygotes.

Submission:

Labcorp Genetics (formerly Invitae), Labcorp
Classification: Uncertain significance. Last evaluated: 2023-07-20. Review status: criteria provided, single submitter. Criteria: Invitae Variant Classification Sherloc (09022015). Collection method: clinical testing. Allele origin: germline.
Comment: In summary, the available evidence is currently insufficient to determine the role of this variant in disease. Therefore, it has been classified as a Variant of Uncertain Significance. Algorithms developed to predict the effect of sequence changes on RNA splicing suggest that this variant may disrupt the consensus splice site. This variant has not been reported in the literature in individuals affected with CYFIP2-related conditions. This variant is not present in population databases (gnomAD no frequency). This sequence change falls in intron 25 of the CYFIP2 gene. It does not directly change the encoded amino acid sequence of the CYFIP2 protein.